The following is an entry in ClinVar:

NM_058216.3(RAD51C):c.956G>A (p.Arg319Gln)

Gene: RAD51C (RAD51 paralog C; plus strand). Cytogenetic location: 17q22.
Variant type: single nucleotide variant.
Coding change: c.956G>A on transcript NM_058216.3 (MANE Select); coding-DNA position 956, G replaced by A.
Protein change: p.Arg319Gln; replaces arginine 319 with glutamine.
Molecular consequence: missense variant. On other transcripts: non-coding transcript variant (1).
Genome position (GRCh38, 1-based): chr17:58,724,091, G>A. VCF-style: chr17-58724091-G-A. GRCh37 (hg19) VCF-style: chr17-56801452-G-A.
Other names: short protein forms R319Q.
Identifiers: ClinVar variation 478615 (VCV000478615.33), dbSNP rs367846829, ClinGen allele CA8677366.
Genomic context (GRCh38, chr17:58,724,091, plus strand): 5'-TACTCTCAGGGGAAAGTTGGGGACATGCTGCTACAATACGGCTAATCTTTCATTGGGACC[G>A]AAAGCAAAGGTCAGTACAGAAACAAGTTAATAACTCCGAATATTGGGTTAATTATACTGA-3'
Protein context (NP_478123.1, residues 309-329): ATIRLIFHWD[Arg319Gln]KQRLATLYKS

ClinVar aggregate classification (germline): Conflicting classifications of pathogenicity. Review status: criteria provided, conflicting classifications (1 of 4 stars). 9 submissions from 9 submitters: Uncertain significance (8); Likely benign (1). Last evaluated 2026-02-24.

Conditions:
RAD51C-related disorder. Also called: RAD51C-related condition; RAD51C-related disorders.
Fanconi anemia complementation group O. Also called: RAD51C-Related Fanconi Anemia. Identifiers: Orphanet 84, MedGen C3150653, MONDO:0013248, OMIM 613390.
Breast-ovarian cancer, familial, susceptibility to, 3. Also called: RAD51C-Related Breast/Ovarian Cancer. Identifiers: Orphanet 145, MedGen C3150659, MONDO:0013253, OMIM 613399.
Hereditary cancer-predisposing syndrome. Also called: Neoplastic Syndromes, Hereditary; Hereditary Cancer Syndrome; Tumor predisposition; Hereditary neoplastic syndrome. Identifiers: Orphanet 140162, MedGen C0027672, MeSH D009386, MONDO:0015356.

Allele frequency attached by ClinVar (database versions not stated): gnomAD 0.00003 and 0.00004; TOPMed 0.00004; gnomAD exomes 0.00001 and 0.00002; ExAC 0.00002; ESP Exome Variant Server 0.00008.
gnomAD v4.1: 18 of 1,611,526 alleles (0.0011%); highest among the groups gnomAD compares: East Asian, 0.0022%; no homozygotes.

Submissions (9):

PreventionGenetics, part of Exact Sciences
Classification: Uncertain significance for RAD51C-related condition. Last evaluated: 2026-02-24. Review status: criteria provided, single submitter. Criteria: ACMG Guidelines, 2015. Collection method: clinical testing. Allele origin: germline.
Comment: The RAD51C c.956G>A variant is predicted to result in the amino acid substitution p.Arg319Gln. This variant has been reported in an individual with breast cancer and ovarian cancer (Table S4, Bhai et al. 2021. PubMed ID: 34326862; Table A4, Song et al. 2015. PubMed ID: 26261251), but it has also been reported in control cohorts (Table S2, Okawa et al. 2022. PubMed ID: 36243179; Table A4, Song et al. 2015. PubMed ID: 26261251). Functional studies have shown that this alteration does not substantially affect RAD51C function (Hu et al. 2023. PubMed ID: 37253112). This variant is reported in 0.0033% of alleles in individuals of South Asian descent in gnomAD and has conflicting interpretations regarding its pathogenicity in ClinVar, ranging from likely benign to uncertain (Variation ID: 478615). At this time, the clinical significance of this variant is uncertain due to the absence of conclusive functional and genetic evidence.

Labcorp Genetics (formerly Invitae), Labcorp
Classification: Uncertain significance for Fanconi anemia complementation group O. Last evaluated: 2025-10-23. Review status: criteria provided, single submitter. Criteria: Invitae Variant Classification Sherloc (09022015). Collection method: clinical testing. Allele origin: germline.
Comment: This sequence change replaces arginine, which is basic and polar, with glutamine, which is neutral and polar, at codon 319 of the RAD51C protein (p.Arg319Gln). This variant is present in population databases (rs367846829, gnomAD 0.007%). This missense change has been observed in individual(s) with ovarian cancer and/or breast cancer (PMID: 26261251, 34326862). ClinVar contains an entry for this variant (Variation ID: 478615). Invitae Evidence Modeling of protein sequence and biophysical properties (such as structural, functional, and spatial information, amino acid conservation, physicochemical variation, residue mobility, and thermodynamic stability) indicates that this missense variant is not expected to disrupt RAD51C protein function with a negative predictive value of 80%. Experimental studies have shown that this missense change does not substantially affect RAD51C function (PMID: 37253112). In summary, the available evidence is currently insufficient to determine the role of this variant in disease. Therefore, it has been classified as a Variant of Uncertain Significance.

Quest Diagnostics Nichols Institute San Juan Capistrano
Classification: Uncertain significance. Last evaluated: 2025-08-22. Review status: criteria provided, single submitter. Criteria: Quest Diagnostics criteria. Collection method: clinical testing. Allele origin: unknown.
Comment: The RAD51C c.956G>A (p.Arg319Gln) variant has been reported in the published literature in individuals with breast and/or ovarian cancer (PMID: 26261251 (2015), 34326862 (2021), 38909640 (2024)), and reportedly unaffected individuals (PMID: 26261251 (2015), 32980694 (2020)). A functional study demonstrated that this variant had an inconclusive effect on protein function, with a neutral impact in a homology-directed repair (HDR) assay in cell model (PMID: 37253112 (2023)). The frequency of this variant in the general population (Genome Aggregation Database) is uninformative in the assessment of its pathogenicity. Analysis of this variant using bioinformatics tools for the prediction of the effect of amino acid changes on protein structure and function yielded predictions that this variant is benign. Based on the available information, we are unable to determine the clinical significance of this variant.

GeneDx
Classification: Uncertain significance. Last evaluated: 2024-12-23. Review status: criteria provided, single submitter. Criteria: GeneDx Variant Classification Process June 2021. Collection method: clinical testing. Allele origin: germline. Affected: yes.
Comment: Published functional studies suggest a neutral effect: demonstrates homology-directed repair activity comparable to wild type (PMID: 37253112); Observed in individuals with breast or ovarian cancer and also in unaffected controls (PMID: 26261251, 32980694, 34326862, 36243179); Not observed at significant frequency in large population cohorts (gnomAD); In silico analysis indicates that this missense variant does not alter protein structure/function; This variant is associated with the following publications: (PMID: 34326862, 36243179, 32980694, 14704354, 26261251, 37253112)

Fulgent Genetics
Classification: Uncertain significance for Fanconi anemia complementation group O; Breast-ovarian cancer, familial, susceptibility to, 3. Last evaluated: 2024-04-23. Review status: criteria provided, single submitter. Criteria: ACMG Guidelines, 2015. Collection method: clinical testing. Allele origin: germline.

Baylor Genetics
Classification: Uncertain significance for Breast-ovarian cancer, familial, susceptibility to, 3. Last evaluated: 2024-03-26. Review status: criteria provided, single submitter. Criteria: ACMG Guidelines, 2015. Collection method: clinical testing. Allele origin: unknown.

Color Diagnostics, LLC DBA Color Health
Classification: Uncertain significance for Hereditary cancer-predisposing syndrome. Last evaluated: 2023-09-05. Review status: criteria provided, single submitter. Criteria: ACMG Guidelines, 2015. Collection method: clinical testing. Allele origin: germline.
Comment: This missense variant replaces arginine with glutamine at codon 319 of the RAD51C protein. Computational prediction suggests that this variant may not impact protein structure and function (internally defined REVEL score threshold <= 0.5, PMID: 27666373). To our knowledge, functional studies have not been reported for this variant. This variant has been reported in an ovarian case-control study in 1/3429 cases and 1/2772 unaffected individuals (PMID: 26261251) and in a pancreatic cancer case-control study in 2/23705 unaffected individuals and absent in 1005 cases (PMID: 32980694). This variant has been identified in 5/246074 chromosomes in the general population by the Genome Aggregation Database (gnomAD). The available evidence is insufficient to determine the role of this variant in disease conclusively. Therefore, this variant is classified as a Variant of Uncertain Significance.

Ambry Genetics
Classification: Likely benign for Hereditary cancer-predisposing syndrome. Last evaluated: 2019-03-30. Review status: criteria provided, single submitter. Criteria: Ambry Variant Classification Scheme 2023. Collection method: clinical testing. Allele origin: germline.

Women's Health and Genetics/Laboratory Corporation of America, LabCorp
Classification: Uncertain significance. Last evaluated: 2019-02-12. Review status: criteria provided, single submitter. Criteria: LabCorp Variant Classification Summary - May 2015. Collection method: clinical testing. Allele origin: germline.
Comment: Variant summary: The variant, RAD51C c.956G>A (p.Arg319Gln) results in a conservative amino acid change located in the C-terminal domain (IPR013632) of the encoded protein sequence. Five of five in-silico tools predict a benign effect of the variant on protein function. The variant allele was found at a frequency of 2.5e-05 in 246074 control chromosomes (gnomAD). The available data on variant occurrences in the general population are insufficient to allow any conclusion about variant significance. The variant, c.956G>A, has been reported in the literature in a patient affected with epithelial ovarian cancer, but was also found in a healthy control individual (Song 2015). This report does not provide unequivocal conclusions about association of the variant with Hereditary Breast and Ovarian Cancer. To our knowledge, no experimental evidence demonstrating an impact on protein function has been reported. Two clinical diagnostic laboratories have submitted clinical-significance assessments for this variant to ClinVar after 2014 without evidence for independent evaluation. One laboratory has classified the variant as likely benign, and the other as uncertain significance. Based on the evidence outlined above, the variant was classified as uncertain significance.

Literature cited by the submitters: PubMed 26261251 (cited by 4 submitters); PubMed 34326862 (cited by Labcorp Genetics (formerly Invitae), Labcorp and Quest Diagnostics Nichols Institute San Juan Capistrano); PubMed 37253112 (cited by Labcorp Genetics (formerly Invitae), Labcorp and Quest Diagnostics Nichols Institute San Juan Capistrano); PubMed 32980694 (cited by Quest Diagnostics Nichols Institute San Juan Capistrano and Color Diagnostics, LLC DBA Color Health); PubMed 38909640 (cited by Quest Diagnostics Nichols Institute San Juan Capistrano).